The following is an entry in ClinVar:

ClinVar aggregate classification (germline): Pathogenic (0 of 4 stars; one submission).

Conditions:
Steinert myotonic dystrophy syndrome (DM1). Also called: STEINERT DISEASE; Myotonic dystrophy type 1; Dystrophia myotonica type 1; Steinert myotonic dystrophy; Steinert's disease. Identifiers: Orphanet 273, MedGen C3250443, MONDO:0008056, OMIM 160900.

Submission:

Institute of Molecular, Cell and Systems Biology, University of Glasgow
Classification: Pathogenic for Steinert myotonic dystrophy syndrome. Review status: no assertion criteria provided. Criteria: research. Collection method: research. Allele origin: germline. Inheritance: Autosomal dominant inheritance. Affected: yes. Observed: 1 heterozygote.
Comment: DMPK CTG repeat expansions greater than approximately 45-50 repeats are assumed to be pathogenic

This record is based on data published in PubMed 25052313, which reports only ClinVar accessions SCV000120188 and SCV000120189. The complete data set includes SCV000207445 - SCV000207579.

Literature cited by the submitters: PubMed 1346923; PubMed 1546326; PubMed 25052313.

NM_004409.5(DMPK):c.*224CTG[327]

Genes: DM1-AS (DM1 locus antisense RNA; plus strand), DMPK (DM1 protein kinase; minus strand), LOC107075317 (origin of replication in DMPK trinucleotide repeat region; plus strand), LOC109461477 (dystrophia myotonica protein kinase repeat instability region; plus strand). Cytogenetic location: 19q13.32.
Variant type: Microsatellite.
Coding change: c.*224CTG[327] on transcript NM_004409.5 (MANE Select); 327 copies in a row of the 3-base unit CTG starting at c.*224.
Molecular consequence: 3 prime UTR variant.
Genome position: GRCh38, VCF-style position (the base before the change): chr19:45,770,204. GRCh37 (hg19), VCF-style position (the base before the change): chr19:46,273,462.
Other names: DM1 CTG repeat expansion; c.*224CTG[327] (NM_001081560.3, NM_001288764.2, NM_001424165.1 and 1 more transcripts); c.*217CTG[327] (NM_001081562.3, NM_001288765.2, NM_001424162.1 and 2 more transcripts); c.*222_*224TGC[327] (NM_001081563.3); c.*369CTG[327] (NM_001288766.2, NM_001424164.1, NM_001424168.1).
Identifiers: ClinVar variation 187958 (VCV000187958.1), ClinGen allele CA915951762.